The following is an entry in ClinVar:

ClinVar aggregate classification (germline): Uncertain significance (1 of 4 stars; one submission).

Conditions:
Cardiovascular phenotype. Identifiers: MedGen CN230736.

Submission:

Ambry Genetics
Classification: Uncertain significance for Cardiovascular phenotype. Last evaluated: 2022-03-30. Review status: criteria provided, single submitter. Criteria: Ambry Variant Classification Scheme 2023. Collection method: clinical testing. Allele origin: germline.
Comment: The p.V3254L variant (also known as c.9760G>C), located in coding exon 11 of the ALMS1 gene, results from a G to C substitution at nucleotide position 9760. The valine at codon 3254 is replaced by leucine, an amino acid with highly similar properties. This amino acid position is poorly conserved in available vertebrate species. In addition, this alteration is predicted to be tolerated by in silico analysis. Since supporting evidence is limited at this time, the clinical significance of this alteration remains unclear.

NM_001378454.1(ALMS1):c.9757G>C (p.Val3253Leu)

Gene: ALMS1 (ALMS1 centrosome and basal body associated protein; plus strand). Cytogenetic location: 2p13.1.
Variant type: single nucleotide variant.
Coding change: c.9757G>C on transcript NM_001378454.1 (MANE Select); coding-DNA position 9757, G replaced by C.
Protein change: p.Val3253Leu; replaces valine 3253 with leucine.
Molecular consequence: missense variant.
Genome position (GRCh38, 1-based): chr2:73,519,992, G>C. VCF-style: chr2-73519992-G-C. GRCh37 (hg19) VCF-style: chr2-73747119-G-C.
Other names: c.9760G>C, p.Val3254Leu (NM_015120.4); short protein forms V3253L, V3254L.
Identifiers: ClinVar variation 1768116 (VCV001768116.2), dbSNP rs751917932, ClinGen allele CA347281410.